The following is an entry in ClinVar:

ClinVar aggregate classification (germline): Uncertain significance. Review status: criteria provided, multiple submitters, no conflicts (2 of 4 stars). 2 submissions from 2 submitters: Uncertain significance (2). Last evaluated 2023-03-20.

Conditions:
Left ventricular noncompaction 8 (LVNC8). Identifiers: Orphanet 154, Orphanet 54260, MedGen C3809288, MONDO:0014152, OMIM 615373.

Allele frequency attached by ClinVar (database versions not stated): gnomAD exomes below 0.00001; gnomAD 0.00001; TOPMed 0.00002.
gnomAD v4.1: 19 of 1,578,200 alleles (0.0012%); highest among the groups gnomAD compares: Non-Finnish European, 0.0015%; no homozygotes.

Submissions (2):

Labcorp Genetics (formerly Invitae), Labcorp
Classification: Uncertain significance for Left ventricular noncompaction 8. Last evaluated: 2023-03-20. Review status: criteria provided, single submitter. Criteria: Invitae Variant Classification Sherloc (09022015). Collection method: clinical testing. Allele origin: germline.
Comment: In summary, the available evidence is currently insufficient to determine the role of this variant in disease. Therefore, it has been classified as a Variant of Uncertain Significance. An algorithm developed to predict the effect of missense changes on protein structure and function (PolyPhen-2) suggests that this variant is likely to be disruptive. ClinVar contains an entry for this variant (Variation ID: 229163). This variant has not been reported in the literature in individuals affected with PRDM16-related conditions. The frequency data for this variant in the population databases is considered unreliable, as metrics indicate poor data quality at this position in the gnomAD database. This sequence change replaces arginine, which is basic and polar, with cysteine, which is neutral and slightly polar, at codon 812 of the PRDM16 protein (p.Arg812Cys).

Laboratory for Molecular Medicine, Mass General Brigham Personalized Medicine
Classification: Uncertain significance. Last evaluated: 2017-10-10. Review status: criteria provided, single submitter. Criteria: LMM Criteria. Collection method: clinical testing. Allele origin: germline. Observed: 1 variant allele.
Comment: proposed classification - variant undergoing re-assessment, contact laboratory

NM_022114.4(PRDM16):c.2434C>T (p.Arg812Cys)

Gene: PRDM16 (PR/SET domain 16; plus strand). Cytogenetic location: 1p36.32.
Variant type: single nucleotide variant.
Coding change: c.2434C>T on transcript NM_022114.4 (MANE Select); coding-DNA position 2434, C replaced by T.
Protein change: p.Arg812Cys; replaces arginine 812 with cysteine.
Molecular consequence: missense variant.
Genome position (GRCh38, 1-based): chr1:3,412,631, C>T. VCF-style: chr1-3412631-C-T. GRCh37 (hg19) VCF-style: chr1-3329195-C-T.
Other names: c.2434C>T, p.Arg812Cys (NM_199454.3); short protein forms R812C.
Identifiers: ClinVar variation 229163 (VCV000229163.11), dbSNP rs876657960, ClinGen allele CA10576421.